The following is an entry in ClinVar:

ClinVar aggregate classification (germline): Uncertain significance. Review status: criteria provided, multiple submitters, no conflicts (2 of 4 stars). 5 submissions from 5 submitters: Uncertain significance (5). Last evaluated 2025-04-11.

Conditions:
Catecholaminergic polymorphic ventricular tachycardia (CVPT). Also called: Catecholamine-induced polymorphic ventricular tachycardia. Identifiers: Orphanet 3286, MedGen C5574922, MONDO:0017990.
Cardiovascular phenotype. Identifiers: MedGen CN230736.
Cardiomyopathy (CMYO). Also called: Cardiomyopathies. Identifiers: Orphanet 167848, MedGen C0878544, MONDO:0004994, HP:0001638. Inheritance: Various modes of inheritance.
Catecholaminergic polymorphic ventricular tachycardia 1. Also called: VENTRICULAR TACHYCARDIA, CATECHOLAMINERGIC POLYMORPHIC, 1, WITH OR WITHOUT ATRIAL DYSFUNCTION AND/OR DILATED CARDIOMYOPATHY; RYR2-Related Catecholaminergic Polymorphic Ventricular Tachycardia; VENTRICULAR TACHYCARDIA, STRESS-INDUCED POLYMORPHIC 1. Identifiers: Orphanet 3286, MedGen C1631597, MONDO:0011484, OMIM 604772.

Allele frequency attached by ClinVar (database versions not stated): gnomAD 0.00001.
gnomAD v4.1: 2 of 1,606,110 alleles (0.00012%); highest among the groups gnomAD compares: African/African-American, 0.0027%; no homozygotes.

Submissions (5):

Ambry Genetics
Classification: Uncertain significance for Cardiovascular phenotype. Last evaluated: 2025-04-11. Review status: criteria provided, single submitter. Criteria: Ambry Variant Classification Scheme 2023. Collection method: clinical testing. Allele origin: germline.
Comment: The p.A3169V variant (also known as c.9506C>T), located in coding exon 67 of the RYR2 gene, results from a C to T substitution at nucleotide position 9506. The alanine at codon 3169 is replaced by valine, an amino acid with similar properties. This amino acid position is highly conserved in available vertebrate species. In addition, the in silico prediction for this alteration is inconclusive. Based on the available evidence, the clinical significance of this variant remains unclear.

GeneDx
Classification: Uncertain significance. Last evaluated: 2024-11-20. Review status: criteria provided, single submitter. Criteria: GeneDx Variant Classification Process June 2021. Collection method: clinical testing. Allele origin: germline. Affected: yes.
Comment: Not observed at significant frequency in large population cohorts (gnomAD); In silico analysis supports that this missense variant has a deleterious effect on protein structure/function; Has not been previously published as pathogenic or benign to our knowledge; Not located in one of the three hot-spot regions of the RYR2 gene, where the majority of pathogenic missense variants occur (PMID: 19926015); This variant is associated with the following publications: (PMID: 19926015)

Labcorp Genetics (formerly Invitae), Labcorp
Classification: Uncertain significance for Catecholaminergic polymorphic ventricular tachycardia 1. Last evaluated: 2024-09-27. Review status: criteria provided, single submitter. Criteria: Invitae Variant Classification Sherloc (09022015). Collection method: clinical testing. Allele origin: germline.
Comment: This sequence change replaces alanine, which is neutral and non-polar, with valine, which is neutral and non-polar, at codon 3169 of the RYR2 protein (p.Ala3169Val). This variant is not present in population databases (gnomAD no frequency). This variant has not been reported in the literature in individuals affected with RYR2-related conditions. ClinVar contains an entry for this variant (Variation ID: 918681). Invitae Evidence Modeling of protein sequence and biophysical properties (such as structural, functional, and spatial information, amino acid conservation, physicochemical variation, residue mobility, and thermodynamic stability) indicates that this missense variant is expected to disrupt RYR2 protein function with a positive predictive value of 95%. In summary, the available evidence is currently insufficient to determine the role of this variant in disease. Therefore, it has been classified as a Variant of Uncertain Significance.

Color Diagnostics, LLC DBA Color Health
Classification: Uncertain significance for Cardiomyopathy. Last evaluated: 2023-12-05. Review status: criteria provided, single submitter. Criteria: ACMG Guidelines, 2015. Collection method: clinical testing. Allele origin: germline.
Comment: Variant of Uncertain Significance due to insufficient evidence: This missense variant is located in the cytoplasmic domain of the RYR2 protein. Computational prediction tools and conservation analyses suggest that this variant may have deleterious impact on the protein function. Computational splicing tools suggest that this variant may not impact RNA splicing. To our knowledge, functional assays have not been performed for this variant nor has this variant been reported in individuals affected with cardiovascular disorders in the literature. This variant is rare in the general population and has been identified in 0/277264 chromosomes by the Genome Aggregation Database (gnomAD). Available evidence is insufficient to determine the role of this variant in disease conclusively.

All of Us Research Program, National Institutes of Health
Classification: Uncertain significance for Catecholaminergic polymorphic ventricular tachycardia. Last evaluated: 2023-06-28. Review status: criteria provided, single submitter. Criteria: ACMG Guidelines, 2015. Collection method: clinical testing. Allele origin: germline. Inheritance: Autosomal dominant inheritance. Observed: 1 variant allele, 1 heterozygote.
Comment: Variant of Uncertain Significance due to insufficient evidence: This missense variant is located in the cytoplasmic domain of the RYR2 protein. Computational prediction tools and conservation analyses suggest that this variant may have deleterious impact on the protein function. Computational splicing tools suggest that this variant may not impact RNA splicing. To our knowledge, functional assays have not been performed for this variant nor has this variant been reported in individuals affected with cardiovascular disorders in the literature. This variant is rare in the general population and has been identified in 0/277264 chromosomes by the Genome Aggregation Database (gnomAD). Available evidence is insufficient to determine the role of this variant in disease conclusively.

This study involves interpretation of variants in research participants for the purpose of population health screening. Participant phenotype was not available at the time of variant classification. Additional details can be found in publication PMID: 35346344, PMCID: PMC8962531

NM_001035.3(RYR2):c.9506C>T (p.Ala3169Val)

Gene: RYR2 (ryanodine receptor 2; plus strand). Cytogenetic location: 1q43.
Variant type: single nucleotide variant.
Coding change: c.9506C>T on transcript NM_001035.3 (MANE Select); coding-DNA position 9506, C replaced by T.
Protein change: p.Ala3169Val; replaces alanine 3169 with valine.
Molecular consequence: missense variant.
Genome position (GRCh38, 1-based): chr1:237,705,269, C>T. VCF-style: chr1-237705269-C-T. GRCh37 (hg19) VCF-style: chr1-237868569-C-T.
Other names: short protein forms A3169V.
Identifiers: ClinVar variation 918681 (VCV000918681.18), dbSNP rs1411593172, ClinGen allele CA345407588.
Genomic context (GRCh38, chr1:237,705,269, plus strand): 5'-ATAGGCAACGTTCTGCATTAGGAGAATGTCTAGCTGCCTTTGCTGGTGCTTTTCCTGTAG[C>T]ATTTTTGGAAACTCATCTGGACAAACATAATATTTACTCCATCTACAATACCAAGTCTTC-3'
Protein context (NP_001026.2, residues 3159-3179): LAAFAGAFPV[Ala3169Val]FLETHLDKHN